The following is an entry in ClinVar:

NM_001136271.3(NKX2-6):c.451T>C (p.Phe151Leu)

Gene: NKX2-6 (NK2 homeobox 6; minus strand). Cytogenetic location: 8p21.2.
Variant type: single nucleotide variant.
Coding change: c.451T>C on transcript NM_001136271.3 (MANE Select); coding-DNA position 451, T replaced by C.
Protein change: p.Phe151Leu; replaces phenylalanine 151 with leucine.
Molecular consequence: missense variant.
Genome position (GRCh38, 1-based): chr8:23,702,906, A>G on the plus strand (T>C on the coding strand, the complement: NKX2-6 is on the minus strand). VCF-style: chr8-23702906-A-G. GRCh37 (hg19) VCF-style: chr8-23560419-A-G.
Other names: short protein forms F151L.
Identifiers: ClinVar variation 791 (VCV000000791.2), dbSNP rs267606914, ClinGen allele CA114515.

ClinVar aggregate classification (germline): Likely pathogenic. Review status: criteria provided, single submitter (1 of 4 stars). 2 submissions from 2 submitters: Likely pathogenic (1). 1 of the submissions does not count toward it. Last evaluated 2024-05-02.

Conditions:
Conotruncal heart malformations (CTHM). Also called: Conotruncal heart malformations, variable. Identifiers: Orphanet 2445, Orphanet 3384, Orphanet 3426, MedGen C1857586, MONDO:0016581, OMIM 217095.
Persistent truncus arteriosus. Also called: Truncus arteriosus; Truncus arteriosus communis. Identifiers: Orphanet 3384, MedGen C0041207, MONDO:0018072, HP:0001660.

Submissions (2):

Institute of Immunology and Genetics Kaiserslautern
Classification: Likely pathogenic for Conotruncal heart malformations. Last evaluated: 2024-05-02. Review status: criteria provided, single submitter. Criteria: ACMG Guidelines, 2015. Collection method: clinical testing. Allele origin: maternal. Affected: yes.
Comment: ACMG Criteria: PS3, PM2, PP3, PP5; Variant was found in heterozygous state

OMIM
Classification: Pathogenic for PERSISTENT TRUNCUS ARTERIOSUS. Last evaluated: 2005-03-01. Review status: no assertion criteria provided. Collection method: literature only. Allele origin: germline. Not counted in ClinVar's aggregate classification.

Literature cited by the submitters: PubMed 15649947 (cited by OMIM).